The following is an entry in ClinVar:

ClinVar aggregate classification (germline): Uncertain significance. Review status: criteria provided, multiple submitters, no conflicts (2 of 4 stars). 2 submissions from 2 submitters: Uncertain significance (2). Last evaluated 2025-02-24.

Submissions (2):

Ambry Genetics
Classification: Uncertain significance. Last evaluated: 2025-02-24. Review status: criteria provided, single submitter. Criteria: Ambry Variant Classification Scheme 2023. Collection method: clinical testing. Allele origin: germline.
Comment: The p.L445F variant (also known as c.1333C>T), located in coding exon 1 of the TET2 gene, results from a C to T substitution at nucleotide position 1333. The leucine at codon 445 is replaced by phenylalanine, an amino acid with highly similar properties. This amino acid position is conserved. In addition, this alteration is predicted to be tolerated by in silico analysis. Based on the available evidence, the clinical significance of this variant remains unclear.

Labcorp Genetics (formerly Invitae), Labcorp
Classification: Uncertain significance. Last evaluated: 2023-08-28. Review status: criteria provided, single submitter. Criteria: Invitae Variant Classification Sherloc (09022015). Collection method: clinical testing. Allele origin: germline.
Comment: This variant has not been reported in the literature in individuals affected with TET2-related conditions. This sequence change replaces leucine, which is neutral and non-polar, with phenylalanine, which is neutral and non-polar, at codon 445 of the TET2 protein (p.Leu445Phe). This variant is not present in population databases (gnomAD no frequency). An algorithm developed to predict the effect of missense changes on protein structure and function (PolyPhen-2) suggests that this variant is likely to be disruptive. In summary, the available evidence is currently insufficient to determine the role of this variant in disease. Therefore, it has been classified as a Variant of Uncertain Significance.

NM_001127208.3(TET2):c.1333C>T (p.Leu445Phe)

Genes: TET2 (tet methylcytosine dioxygenase 2; plus strand), TET2-AS1 (TET2 antisense RNA 1; minus strand). Cytogenetic location: 4q24.
Variant type: single nucleotide variant.
Coding change: c.1333C>T on transcript NM_001127208.3 (MANE Select); coding-DNA position 1333, C replaced by T.
Protein change: p.Leu445Phe; replaces leucine 445 with phenylalanine.
Molecular consequence: missense variant.
Genome position (GRCh38, 1-based): chr4:105,235,275, C>T. VCF-style: chr4-105235275-C-T. GRCh37 (hg19) VCF-style: chr4-106156432-C-T.
Other names: c.1333C>T, p.Leu445Phe (NM_017628.4); short protein forms L445F.
Identifiers: ClinVar variation 3013217 (VCV003013217.4), dbSNP rs2476489130, ClinGen allele CA357794544.
Genomic context (GRCh38, chr4:105,235,275, plus strand): 5'-ACTCTGAATGGTGGAGTTTTAGAAGAACACCACCACTACCCCAACCAAAGTAACACAACA[C>T]TTTTAAGGGAAGTGAAAATAGAGGGTAAACCTGAGGCACCACCTTCCCAGAGTCCTAATC-3'
Protein context (NP_001120680.1, residues 435-455): HHYPNQSNTT[Leu445Phe]LREVKIEGKP